The following is an entry in ClinVar:

NM_001374828.1(ARID1B):c.3674G>A (p.Arg1225Gln)

Gene: ARID1B (AT-rich interaction domain 1B; plus strand). Cytogenetic location: 6q25.3.
Variant type: single nucleotide variant.
Coding change: c.3674G>A on transcript NM_001374828.1 (MANE Select); coding-DNA position 3674, G replaced by A.
Protein change: p.Arg1225Gln; replaces arginine 1225 with glutamine.
Molecular consequence: missense variant.
Genome position (GRCh38, 1-based): chr6:157,181,138, G>A. VCF-style: chr6-157181138-G-A. GRCh37 (hg19) VCF-style: chr6-157502272-G-A.
Other names: c.1175G>A, p.Arg392Gln (NM_001363725.2); c.3554G>A, p.Arg1185Gln (NM_001371656.1, NM_001374820.1); c.3515G>A, p.Arg1172Gln (NM_017519.3); short protein forms R392Q, R1172Q, R1225Q, R1185Q.
Identifiers: ClinVar variation 3706236 (VCV003706236.2).

ClinVar aggregate classification (germline): Uncertain significance (1 of 4 stars; one submission).

gnomAD v4.1: 47 of 1,614,074 alleles (0.0029%); highest among the groups gnomAD compares: East Asian, 0.0045%; no homozygotes.

Submission:

Labcorp Genetics (formerly Invitae), Labcorp
Classification: Uncertain significance. Last evaluated: 2024-09-02. Review status: criteria provided, single submitter. Criteria: Invitae Variant Classification Sherloc (09022015). Collection method: clinical testing. Allele origin: germline.
Comment: This sequence change replaces arginine, which is basic and polar, with glutamine, which is neutral and polar, at codon 1102 of the ARID1B protein (p.Arg1102Gln). This variant is present in population databases (rs746567959, gnomAD 0.004%). This missense change has been observed in individual(s) with neurodevelopmental disorder (PMID: 28191889). Invitae Evidence Modeling of protein sequence and biophysical properties (such as structural, functional, and spatial information, amino acid conservation, physicochemical variation, residue mobility, and thermodynamic stability) has been performed for this missense variant. However, the output from this modeling did not meet the statistical confidence thresholds required to predict the impact of this variant on ARID1B protein function. In summary, the available evidence is currently insufficient to determine the role of this variant in disease. Therefore, it has been classified as a Variant of Uncertain Significance.

Literature cited by the submitters: PubMed 28191889.